The following is an entry in ClinVar:

ClinVar aggregate classification (germline): Uncertain significance (1 of 4 stars; one submission).

Conditions:
Cardiomyopathy (CMYO). Also called: Cardiomyopathies. Identifiers: Orphanet 167848, MedGen C0878544, MONDO:0004994, HP:0001638. Inheritance: Various modes of inheritance.

Submission:

All of Us Research Program, National Institutes of Health
Classification: Uncertain significance for Cardiomyopathy. Last evaluated: 2024-02-22. Review status: criteria provided, single submitter. Criteria: ACMG Guidelines, 2015. Collection method: clinical testing. Allele origin: germline. Inheritance: Autosomal dominant inheritance. Observed: 1 variant allele, 1 heterozygote.
Comment: This missense variant replaces leucine with valine at codon 978 of the MYH7 protein. Computational prediction suggests that this variant may not impact protein structure and function (internally defined REVEL score threshold <= 0.5, PMID: 27666373). To our knowledge, functional studies have not been reported for this variant. This variant has not been reported in individuals affected with MYH7-related disorders in the literature. This variant has not been identified in the general population by the Genome Aggregation Database (gnomAD). The available evidence is insufficient to determine the role of this variant in disease conclusively. Therefore, this variant is classified as a Variant of Uncertain Significance.

This study involves interpretation of variants in research participants for the purpose of population health screening. Participant phenotype was not available at the time of variant classification. Additional details can be found in publication PMID: 35346344, PMCID: PMC8962531

NM_000257.4(MYH7):c.2932C>G (p.Leu978Val)

Gene: MYH7 (myosin heavy chain 7; minus strand). Cytogenetic location: 14q11.2.
Variant type: single nucleotide variant.
Coding change: c.2932C>G on transcript NM_000257.4 (MANE Select); coding-DNA position 2932, C replaced by G.
Protein change: p.Leu978Val; replaces leucine 978 with valine.
Molecular consequence: missense variant.
Genome position (GRCh38, 1-based): chr14:23,423,714, G>C on the plus strand (C>G on the coding strand, the complement: MYH7 is on the minus strand). VCF-style: chr14-23423714-G-C. GRCh37 (hg19) VCF-style: chr14-23892923-G-C.
Other names: c.2932C>G, p.Leu978Val (NM_001407004.1); short protein forms L978V.
Identifiers: ClinVar variation 3387325 (VCV003387325.1).
Genomic context (GRCh38, chr14:23,423,714, plus strand): 5'-CTTTCTTCTCCTTGGTCAGCTTGGCAATGATCTCATCCAGCCCAGCCATCTCCTCTGTCA[G>C]GTTTTTCACCTGCCGACCAAGAATCCCATCTCCTTTAGGGTCAAAGGTCACCAGCTTGGT-3'
Protein context (NP_000248.2, residues 968-988): KHATENKVKN[Leu978Val]TEEMAGLDEI